The following is an entry in ClinVar:

ClinVar aggregate classification (germline): Uncertain significance (1 of 4 stars; one submission).

Conditions:
Neuroblastoma, susceptibility to, 3. Also called: ALK-Related Neuroblastic Tumor Susceptibility. Identifiers: Orphanet 635, MedGen C2751681, MONDO:0013083, OMIM 613014.

Allele frequency attached by ClinVar (database versions not stated): gnomAD exomes below 0.00001; ExAC 0.00001; gnomAD 0.00001; 1000 Genomes Project 30x 0.00016; 1000 Genomes Project 0.00020.
gnomAD v4.1: 4 of 1,614,050 alleles (0.00025%); highest among the groups gnomAD compares: African/African-American, 0.004%; no homozygotes.

Submission:

Labcorp Genetics (formerly Invitae), Labcorp
Classification: Uncertain significance for Neuroblastoma, susceptibility to, 3. Last evaluated: 2023-08-06. Review status: criteria provided, single submitter. Criteria: Invitae Variant Classification Sherloc (09022015). Collection method: clinical testing. Allele origin: germline.
Comment: This sequence change affects codon 955 of the ALK mRNA. It is a 'silent' change, meaning that it does not change the encoded amino acid sequence of the ALK protein. In summary, the available evidence is currently insufficient to determine the role of this variant in disease. Therefore, it has been classified as a Variant of Uncertain Significance. Algorithms developed to predict the effect of sequence changes on RNA splicing suggest that this variant may create or strengthen a splice site. This variant has not been reported in the literature in individuals affected with ALK-related conditions. The frequency data for this variant in the population databases is considered unreliable, as metrics indicate poor data quality at this position in the gnomAD database.

NM_004304.5(ALK):c.2865G>A (p.Gly955=)

Gene: ALK (ALK receptor tyrosine kinase; minus strand). Cytogenetic location: 2p23.2.
Variant type: single nucleotide variant.
Coding change: c.2865G>A on transcript NM_004304.5 (MANE Select); coding-DNA position 2865, G replaced by A.
Protein change: p.Gly955=; no amino-acid change (glycine 955 retained).
Molecular consequence: synonymous variant.
Genome position (GRCh38, 1-based): chr2:29,227,623, C>T on the plus strand (G>A on the coding strand, the complement: ALK is on the minus strand). VCF-style: chr2-29227623-C-T. GRCh37 (hg19) VCF-style: chr2-29450489-C-T.
Identifiers: ClinVar variation 2885766 (VCV002885766.3), dbSNP rs185776406, ClinGen allele CA1594159.
Genomic context (GRCh38, chr2:29,227,623, plus strand): 5'-AGAGAAGCTACCTTTTAAAGCTGGGGTGTACAGGATGCCCAGTGGACTGATGAAGGAAAC[C>T]CCATCTTCCCCATCCATTTCGGGGTCATTGTTTGAGGCTGCATTGCCGCCTGAGTAGCAA-3'
Protein context (NP_004295.2, residues 945-965): NNDPEMDGED[Gly955=]VSFISPLGIL